The following is an entry in ClinVar:

NM_012469.4(PRPF6):c.2129A>G (p.Lys710Arg)

Gene: PRPF6 (pre-mRNA processing factor 6; plus strand). Cytogenetic location: 20q13.33.
Variant type: single nucleotide variant.
Coding change: c.2129A>G on transcript NM_012469.4 (MANE Select); coding-DNA position 2129, A replaced by G.
Protein change: p.Lys710Arg; replaces lysine 710 with arginine.
Molecular consequence: missense variant.
Genome position (GRCh38, 1-based): chr20:64,027,082, A>G. VCF-style: chr20-64027082-A-G. GRCh37 (hg19) VCF-style: chr20-62658435-A-G.
Other names: short protein forms K710R.
Identifiers: ClinVar variation 2719202 (VCV002719202.3), dbSNP rs965866643, ClinGen allele CA317547829.

ClinVar aggregate classification (germline): Uncertain significance (1 of 4 stars; one submission).

Allele frequency attached by ClinVar (database versions not stated): gnomAD exomes below 0.00001; TOPMed below 0.00001; gnomAD 0.00001.
gnomAD v4.1: 8 of 1,613,932 alleles (0.0005%); highest among the groups gnomAD compares: African/African-American, 0.0013%; no homozygotes.

Submission:

Labcorp Genetics (formerly Invitae), Labcorp
Classification: Uncertain significance. Last evaluated: 2023-07-17. Review status: criteria provided, single submitter. Criteria: Invitae Variant Classification Sherloc (09022015). Collection method: clinical testing. Allele origin: germline.
Comment: In summary, the available evidence is currently insufficient to determine the role of this variant in disease. Therefore, it has been classified as a Variant of Uncertain Significance. Advanced modeling of protein sequence and biophysical properties (such as structural, functional, and spatial information, amino acid conservation, physicochemical variation, residue mobility, and thermodynamic stability) performed at Invitae indicates that this missense variant is expected to disrupt PRPF6 protein function. This variant has not been reported in the literature in individuals affected with PRPF6-related conditions. This variant is present in population databases (no rsID available, gnomAD 0.01%). This sequence change replaces lysine, which is basic and polar, with arginine, which is basic and polar, at codon 710 of the PRPF6 protein (p.Lys710Arg).